The following is an entry in ClinVar:

NM_018896.5(CACNA1G):c.4296+5G>A

Gene: CACNA1G (calcium voltage-gated channel subunit alpha1 G; plus strand). Cytogenetic location: 17q21.33.
Variant type: single nucleotide variant.
Coding change: c.4296+5G>A on transcript NM_018896.5 (MANE Select); 5 bases into the intron after coding-DNA position 4296, G replaced by A.
Molecular consequence: intron variant.
Genome position (GRCh38, 1-based): chr17:50,604,286, G>A. VCF-style: chr17-50604286-G-A. GRCh37 (hg19) VCF-style: chr17-48681647-G-A.
Other names: c.4296+5G>A (NM_198384.3, NM_001256333.2, NM_001256327.2 and 16 more transcripts); c.4227+5G>A (NM_198396.3, NM_198379.3, NM_198387.3 and 5 more transcripts).
Identifiers: ClinVar variation 3026741 (VCV003026741.22), dbSNP rs765467921, ClinGen allele CA8652981.

ClinVar aggregate classification (germline): Uncertain significance (1 of 4 stars; one submission).

Allele frequency attached by ClinVar (database versions not stated): ExAC 0.00002.
gnomAD v4.1: 3 of 1,613,292 alleles (0.00019%); highest among the groups gnomAD compares: South Asian, 0.0033%; no homozygotes.

Submission:

CeGaT Center for Human Genetics Tuebingen
Classification: Uncertain significance. Last evaluated: 2024-01-01. Review status: criteria provided, single submitter. Criteria: CeGaT Center For Human Genetics Tuebingen Variant Classification Criteria Version 2. Collection method: clinical testing. Allele origin: germline. Affected: yes. Observed: 1 variant allele.
Comment: CACNA1G: PM2